The following is an entry in ClinVar:

ClinVar aggregate classification (germline): Uncertain significance (1 of 4 stars; one submission).

Conditions:
Joubert syndrome. Also called: CEREBELLOPARENCHYMAL DISORDER IV; JOUBERT-BOLTSHAUSER SYNDROME; Familial aplasia of the vermis. Identifiers: Orphanet 475, MedGen C5979921, MONDO:0018772.
Nephronophthisis. Also called: Juvenile Nephronophthisis. Identifiers: Orphanet 655, MedGen C0687120, MONDO:0019005, HP:0000090.
Meckel-Gruber syndrome. Also called: DYSENCEPHALIA SPLANCHNOCYSTICA; GRUBER SYNDROME; Dysencephalia splachnocystica. Identifiers: Orphanet 564, MedGen C0265215, MONDO:0018921.

Submission:

Labcorp Genetics (formerly Invitae), Labcorp
Classification: Uncertain significance for Joubert syndrome; Meckel-Gruber syndrome; Nephronophthisis. Last evaluated: 2023-09-13. Review status: criteria provided, single submitter. Criteria: Invitae Variant Classification Sherloc (09022015). Collection method: clinical testing. Allele origin: germline.
Comment: In summary, the available evidence is currently insufficient to determine the role of this variant in disease. Therefore, it has been classified as a Variant of Uncertain Significance. Advanced modeling of protein sequence and biophysical properties (such as structural, functional, and spatial information, amino acid conservation, physicochemical variation, residue mobility, and thermodynamic stability) has been performed at Invitae for this missense variant, however the output from this modeling did not meet the statistical confidence thresholds required to predict the impact of this variant on CEP290 protein function. This variant has not been reported in the literature in individuals affected with CEP290-related conditions. This variant is not present in population databases (gnomAD no frequency). This sequence change replaces glutamine, which is neutral and polar, with arginine, which is basic and polar, at codon 1273 of the CEP290 protein (p.Gln1273Arg).

NM_025114.4(CEP290):c.3818A>G (p.Gln1273Arg)

Gene: CEP290 (centrosomal protein 290; minus strand). Cytogenetic location: 12q21.32.
Variant type: single nucleotide variant.
Coding change: c.3818A>G on transcript NM_025114.4 (MANE Select); coding-DNA position 3818, A replaced by G.
Protein change: p.Gln1273Arg; replaces glutamine 1273 with arginine.
Molecular consequence: missense variant.
Genome position (GRCh38, 1-based): chr12:88,089,243, T>C on the plus strand (A>G on the coding strand, the complement: CEP290 is on the minus strand). VCF-style: chr12-88089243-T-C. GRCh37 (hg19) VCF-style: chr12-88483020-T-C.
Other names: short protein forms Q1273R.
Identifiers: ClinVar variation 2951731 (VCV002951731.3), dbSNP rs2500106964, ClinGen allele CA386000645.
Genomic context (GRCh38, chr12:88,089,243, plus strand): 5'-AGTTGAATCATTGTTTTGGAGAACTTTTCCTGTTGTGCCAAGGGTAAAGCTCCACTAAAC[T>C]GTCGTCGTAGAGACTGAATTGTTTGGCGCAGATGTTTTGCTCTGTTTCTTCCCTCCAAAC-3'
Protein context (NP_079390.3, residues 1263-1283): LRQTIQSLRR[Gln1273Arg]FSGALPLAQQ